The following is an entry in ClinVar:

ClinVar aggregate classification (germline): Uncertain significance (1 of 4 stars; one submission).

Submission:

Women's Health and Genetics/Laboratory Corporation of America, LabCorp
Classification: Uncertain significance. Last evaluated: 2023-02-17. Review status: criteria provided, single submitter. Criteria: LabCorp Variant Classification Summary - May 2015. Collection method: clinical testing. Allele origin: germline.
Comment: Variant summary: CYP1B1 c.31T>C (p.Trp11Arg) results in a non-conservative amino acid change in the encoded protein sequence. Four of five in-silico tools predict a benign effect of the variant on protein function. The variant allele was found at a frequency of 1.2e-05 in 246022 control chromosomes (gnomAD). The available data on variant occurrences in the general population are insufficient to allow any conclusion about variant significance. c.31T>C has been reported in the literature in one compound heterozygous individual affected with Primary Congenital Glaucoma (Chen_2013). The report does not provide unequivocal conclusions about association of the variant with Primary Congenital Glaucoma. To our knowledge, no experimental evidence demonstrating an impact on protein function has been reported. No clinical diagnostic laboratories have submitted clinical-significance assessments for this variant to ClinVar after 2014. Based on the evidence outlined above, the variant was classified as uncertain significance.

Literature cited by the submitters: PubMed 24227805; PubMed 29903728.

NM_000104.4(CYP1B1):c.31T>C (p.Trp11Arg)

Gene: CYP1B1 (cytochrome P450 family 1 subfamily B member 1; minus strand). Cytogenetic location: 2p22.2.
Variant type: single nucleotide variant.
Coding change: c.31T>C on transcript NM_000104.4 (MANE Select); coding-DNA position 31, T replaced by C.
Protein change: p.Trp11Arg; replaces tryptophan 11 with arginine.
Molecular consequence: missense variant.
Genome position (GRCh38, 1-based): chr2:38,075,358, A>G on the plus strand (T>C on the coding strand, the complement: CYP1B1 is on the minus strand). VCF-style: chr2-38075358-A-G. GRCh37 (hg19) VCF-style: chr2-38302501-A-G.
Other names: c.31T>C (NM_000104.3); short protein forms W11R.
Identifiers: ClinVar variation 2445886 (VCV002445886.1), dbSNP rs775608287, ClinGen allele CA1620124.